The following is an entry in ClinVar:

NM_138694.4(PKHD1):c.8407T>A (p.Cys2803Ser)

Gene: PKHD1 (PKHD1 ciliary IPT domain containing fibrocystin/polyductin; minus strand). Cytogenetic location: 6p12.3.
Variant type: single nucleotide variant.
Coding change: c.8407T>A on transcript NM_138694.4 (MANE Select); coding-DNA position 8407, T replaced by A.
Protein change: p.Cys2803Ser; replaces cysteine 2803 with serine.
Molecular consequence: missense variant.
Genome position (GRCh38, 1-based): chr6:51,791,269, A>T on the plus strand (T>A on the coding strand, the complement: PKHD1 is on the minus strand). VCF-style: chr6-51791269-A-T. GRCh37 (hg19) VCF-style: chr6-51656067-A-T.
Other names: c.8407T>A, p.Cys2803Ser (NM_170724.3); short protein forms C2803S.
Identifiers: ClinVar variation 3895597 (VCV003895597.1).
Genomic context (GRCh38, chr6:51,791,269, plus strand): 5'-GCTCGCAATCCTTGTGCCTTTACTCACCAACTTTCAGCTCCCCGCCTGCAATGACCATGC[A>T]TGCCACACTCAGAACATTGCTTCTGTCCACAGGGAAGTCTAAGGTCCCCATCACATACAG-3'
Protein context (NP_619639.3, residues 2793-2813): VDRSNVLSVA[Cys2803Ser]MVIAGGELKV

ClinVar aggregate classification (germline): Uncertain significance (1 of 4 stars; one submission).

Submission:

Women's Health and Genetics/Laboratory Corporation of America, LabCorp
Classification: Uncertain significance. Last evaluated: 2025-03-17. Review status: criteria provided, single submitter. Criteria: LabCorp Variant Classification Summary - May 2015. Collection method: clinical testing. Allele origin: germline.
Comment: Variant summary: PKHD1 c.8407T>A (p.Cys2803Ser) results in a non-conservative amino acid change located in the G8 domain (IPR019316) of the encoded protein sequence. Five of five in-silico tools predict a damaging effect of the variant on protein function. The variant was absent in 251274 control chromosomes. The available data on variant occurrences in the general population are insufficient to allow any conclusion about variant significance. To our knowledge, no occurrence of c.8407T>A in individuals affected with Polycystic Kidney And Hepatic Disease and no experimental evidence demonstrating its impact on protein function have been reported. No submitters have cited clinical-significance assessments for this variant to ClinVar. Based on the evidence outlined above, the variant was classified as uncertain significance.